The following is an entry in ClinVar:

NM_025137.4(SPG11):c.5645T>G (p.Ile1882Ser)

Gene: SPG11 (SPG11 vesicle trafficking associated, spatacsin; minus strand). Cytogenetic location: 15q21.1.
Variant type: single nucleotide variant.
Coding change: c.5645T>G on transcript NM_025137.4 (MANE Select); coding-DNA position 5645, T replaced by G.
Protein change: p.Ile1882Ser; replaces isoleucine 1882 with serine.
Molecular consequence: missense variant.
Genome position (GRCh38, 1-based): chr15:44,584,035, A>C on the plus strand (T>G on the coding strand, the complement: SPG11 is on the minus strand). VCF-style: chr15-44584035-A-C. GRCh37 (hg19) VCF-style: chr15-44876233-A-C.
Other names: c.5645T>G, p.Ile1882Ser (NM_001160227.2); c.5501T>G, p.Ile1834Ser (NM_001411132.1); short protein forms I1882S, I1834S.
Identifiers: ClinVar variation 2147317 (VCV002147317.3), dbSNP rs760815236, ClinGen allele CA7534377.

ClinVar aggregate classification (germline): Uncertain significance (1 of 4 stars; one submission).

Conditions:
Hereditary spastic paraplegia 11. Also called: SPASTIC PARAPLEGIA, AUTOSOMAL RECESSIVE, COMPLICATED, WITH THIN CORPUS CALLOSUM; SPASTIC PARAPLEGIA, AUTOSOMAL RECESSIVE, WITH MENTAL IMPAIRMENT AND THIN CORPUS CALLOSUM; Spastic Paraplegia 11; Nakamura Osame syndrome; Autosomal recessive hereditary spastic paraplegia, mental impairment, and thin corpus callosum; Spastic paraplegia, mental retardation and thin corpus callosum. Identifiers: Orphanet 2822, MedGen C1858479, MONDO:0011445, OMIM 604360.

gnomAD v4.1: 10 of 1,614,246 alleles (0.00062%); highest among the groups gnomAD compares: Non-Finnish European, 0.00076%; no homozygotes.

Submission:

Labcorp Genetics (formerly Invitae), Labcorp
Classification: Uncertain significance for Hereditary spastic paraplegia 11. Last evaluated: 2026-01-14. Review status: criteria provided, single submitter. Criteria: Invitae Variant Classification Sherloc (09022015). Collection method: clinical testing. Allele origin: germline.
Comment: This sequence change replaces isoleucine, which is neutral and non-polar, with serine, which is neutral and polar, at codon 1882 of the SPG11 protein (p.Ile1882Ser). This variant is present in population databases (rs760815236, gnomAD 0.002%). This variant has not been reported in the literature in individuals affected with SPG11-related conditions. ClinVar contains an entry for this variant (Variation ID: 2147317). Invitae Evidence Modeling of protein sequence and biophysical properties (such as structural, functional, and spatial information, amino acid conservation, physicochemical variation, residue mobility, and thermodynamic stability) indicates that this missense variant is expected to disrupt SPG11 protein function with a positive predictive value of 80%. In summary, the available evidence is currently insufficient to determine the role of this variant in disease. Therefore, it has been classified as a Variant of Uncertain Significance.